The following is an entry in ClinVar:

NM_001199138.2(NLRC4):c.2949A>C (p.Leu983Phe)

Gene: NLRC4 (NLR family CARD domain containing 4; minus strand). Cytogenetic location: 2p22.3.
Variant type: single nucleotide variant.
Coding change: c.2949A>C on transcript NM_001199138.2 (MANE Select); coding-DNA position 2949, A replaced by C.
Protein change: p.Leu983Phe; replaces leucine 983 with phenylalanine.
Molecular consequence: missense variant.
Genome position (GRCh38, 1-based): chr2:32,224,599, T>G on the plus strand (A>C on the coding strand, the complement: NLRC4 is on the minus strand). VCF-style: chr2-32224599-T-G. GRCh37 (hg19) VCF-style: chr2-32449668-T-G.
Other names: c.2949A>C, p.Leu983Phe (NM_001199139.2, NM_021209.5); c.954A>C, p.Leu318Phe (NM_001302504.2); short protein forms L318F, L983F.
Identifiers: ClinVar variation 3061059 (VCV003061059.2), dbSNP rs2466687826, ClinGen allele CA346519263.
Genomic context (GRCh38, chr2:32,224,599, plus strand): 5'-AACAAGCCTAGCTTCTTGCAGAAAAGTTAACTTGGATAACACTTGGCTAAGTTTTCTGAC[T>G]AATGCTGGATCAGGTAGAAATTCTTTAGTACTAAAGTCAAAAAACACTAATTGCTTAAGA-3'
Protein context (NP_001186067.1, residues 973-993): STKEFLPDPA[Leu983Phe]VRKLSQVLSK

ClinVar aggregate classification (germline): Uncertain significance (0 of 4 stars; one submission).

Conditions:
NLRC4-related disorder. Also called: NLRC4-related condition.

Submission:

PreventionGenetics, part of Exact Sciences
Classification: Uncertain significance for NLRC4-related condition. Last evaluated: 2024-01-31. Review status: no assertion criteria provided. Collection method: clinical testing. Allele origin: germline.
Comment: The NLRC4 c.2949A>C variant is predicted to result in the amino acid substitution p.Leu983Phe. To our knowledge, this variant has not been reported in the literature or in a large population database, indicating this variant is rare. At this time, the clinical significance of this variant is uncertain due to the absence of conclusive functional and genetic evidence.